The following is an entry in ClinVar:

ClinVar aggregate classification (germline): Uncertain significance (1 of 4 stars; one submission).

Conditions:
Paget disease of bone 2, early-onset (PDB2). Also called: Paget disease of bone 2. Identifiers: MedGen C4085251, MONDO:0011183, OMIM 602080.
Frontotemporal dementia and/or amyotrophic lateral sclerosis 1 (FTDALS1). Also called: Frontotemporal dementia with motor neuron disease 1; C9orf72 Frontotemporal Dementia and/or Amyotrophic Lateral Sclerosis. Identifiers: Orphanet 275872, MedGen C5779877, MONDO:0007105, OMIM 105550.

Allele frequency attached by ClinVar (database versions not stated): ExAC 0.00001; gnomAD exomes 0.00002.
gnomAD v4.1: 24 of 1,575,676 alleles (0.0015%); highest among the groups gnomAD compares: Non-Finnish European, 0.002%; no homozygotes.

Submission:

Labcorp Genetics (formerly Invitae), Labcorp
Classification: Uncertain significance for Paget disease of bone 2, early-onset; Frontotemporal dementia and/or amyotrophic lateral sclerosis 1. Last evaluated: 2023-02-13. Review status: criteria provided, single submitter. Criteria: Invitae Variant Classification Sherloc (09022015). Collection method: clinical testing. Allele origin: germline.
Comment: This sequence change replaces glycine, which is neutral and non-polar, with arginine, which is basic and polar, at codon 12 of the SQSTM1 protein (p.Gly12Arg). The frequency data for this variant in the population databases is considered unreliable, as metrics indicate poor data quality at this position in the gnomAD database. This variant has not been reported in the literature in individuals affected with SQSTM1-related conditions. Advanced modeling of protein sequence and biophysical properties (such as structural, functional, and spatial information, amino acid conservation, physicochemical variation, residue mobility, and thermodynamic stability) performed at Invitae indicates that this missense variant is not expected to disrupt SQSTM1 protein function. In summary, the available evidence is currently insufficient to determine the role of this variant in disease. Therefore, it has been classified as a Variant of Uncertain Significance.

NM_003900.5(SQSTM1):c.34G>C (p.Gly12Arg)

Gene: SQSTM1 (sequestosome 1; plus strand). Cytogenetic location: 5q35.3.
Variant type: single nucleotide variant.
Coding change: c.34G>C on transcript NM_003900.5 (MANE Select); coding-DNA position 34, G replaced by C.
Protein change: p.Gly12Arg; replaces glycine 12 with arginine.
Molecular consequence: missense variant. On other transcripts: intron variant (2).
Genome position (GRCh38, 1-based): chr5:179,820,970, G>C. VCF-style: chr5-179820970-G-C. GRCh37 (hg19) VCF-style: chr5-179247970-G-C.
Other names: c.-47-1988G>C (NM_001142298.2, NM_001142299.2); short protein forms G12R.
Identifiers: ClinVar variation 2051613 (VCV002051613.4), dbSNP rs748465743, ClinGen allele CA3600362.